The following is an entry in ClinVar:

ClinVar aggregate classification (germline): Uncertain significance (1 of 4 stars; one submission).

Submission:

Labcorp Genetics (formerly Invitae), Labcorp
Classification: Uncertain significance. Last evaluated: 2025-11-15. Review status: criteria provided, single submitter. Criteria: Invitae Variant Classification Sherloc (09022015). Collection method: clinical testing. Allele origin: germline.
Comment: This sequence change falls in intron 1 of the HNF1A gene. It does not directly change the encoded amino acid sequence of the HNF1A protein. It affects a nucleotide within the consensus splice site. This variant is not present in population databases (gnomAD no frequency). This variant has not been reported in the literature in individuals affected with HNF1A-related conditions. Variants that disrupt the consensus splice site are a relatively common cause of aberrant splicing (PMID: 17576681, 9536098). Algorithms developed to predict the effect of sequence changes on RNA splicing suggest that this variant may disrupt the consensus splice site. In summary, the available evidence is currently insufficient to determine the role of this variant in disease. Therefore, it has been classified as a Variant of Uncertain Significance.

Literature cited by the submitters: PubMed 17576681; PubMed 9536098.

NM_000545.8(HNF1A):c.326+5G>A

Gene: HNF1A (HNF1 homeobox A; plus strand). Cytogenetic location: 12q24.31.
Variant type: single nucleotide variant.
Coding change: c.326+5G>A on transcript NM_000545.8 (MANE Select); 5 bases into the intron after coding-DNA position 326, G replaced by A.
Molecular consequence: intron variant.
Genome position (GRCh38, 1-based): chr12:120,979,099, G>A. VCF-style: chr12-120979099-G-A. GRCh37 (hg19) VCF-style: chr12-121416902-G-A.
Other names: c.326+5G>A (NM_001306179.2, NM_001406915.1).
Identifiers: ClinVar variation 4731240 (VCV004731240.1).